The following is an entry in ClinVar:

NM_000512.5(GALNS):c.835del (p.Asp279fs)

Gene: GALNS (galactosamine (N-acetyl)-6-sulfatase; minus strand). Cytogenetic location: 16q24.3.
Variant type: Deletion.
Coding change: c.835del on transcript NM_000512.5 (MANE Select); coding-DNA position 835, one base deleted (G; older notation c.835delG).
Protein change: p.Asp279fs; shifts the reading frame from aspartic acid 279.
Molecular consequence: frameshift variant.
Genome position (GRCh38, 1-based): chr16:88,835,276, C deleted on the plus strand (G on the coding strand, the reverse complement: GALNS is on the minus strand); the first of 2 consecutive C bases (chr16:88,835,276-88,835,277); deleting either gives the same sequence. VCF-style (leftmost placement, unchanged base first): chr16-88835275-TC-T. GRCh37 (hg19) VCF-style: chr16-88901683-TC-T.
Other names: p.Asp279ThrfsTer40; c.280del, p.Asp94fs (NM_001323543.2); c.853del, p.Asp285fs (NM_001323544.2); short protein forms D279fs, D285fs, D94fs.
Identifiers: ClinVar variation 1810196 (VCV001810196.3), dbSNP rs2543531007, ClinGen allele CA2580092237.

ClinVar aggregate classification (germline): Likely pathogenic (1 of 4 stars; one submission).

Conditions:
Mucopolysaccharidosis, MPS-IV-A (MPS4A). Also called: Morquio syndrome A, mild; MORQUIO SYNDROME A; GALACTOSAMINE-6-SULFATASE DEFICIENCY; GALNS DEFICIENCY; MORQUIO A DISEASE; Mucopolysaccharidosis type IV A. Identifiers: Orphanet 309297, Orphanet 582, MedGen C0086651, MONDO:0009659, OMIM 253000.

Submission:

Foundation for Research in Genetics and Endocrinology, FRIGE's Institute of Human Genetics
Classification: Likely pathogenic for Mucopolysaccharidosis, MPS-IV-A. Last evaluated: 2022-12-24. Review status: criteria provided, single submitter. Criteria: ACMG Guidelines, 2015. Collection method: clinical testing. Allele origin: germline. Inheritance: Autosomal recessive inheritance. Affected: yes. Observed: 1 homozygote.
Comment: A Homozygous variation in exon 8 of the GALNS gene that results in the amino acid deletion at codon 835 was detected. The observed variant c.835del(p.Asp279ThrfsTer40) has not been reported in the 1000 genomes and ExAC databases. The in silico prediction of the variant are possibly damaging by PolyPhen-2 (HumDiv) and damaging by LRT and MutationTaster2. The reference codon is conserved across species. In summary, the variant meets our criteria to be classified as likely pathogenic.